The following is an entry in ClinVar:

ClinVar aggregate classification (germline): Uncertain significance (1 of 4 stars; one submission).

Allele frequency attached by ClinVar (database versions not stated): gnomAD exomes below 0.00001 and 0.00001; ExAC 0.00002.
gnomAD v4.1: 2 of 1,609,068 alleles (0.00012%); highest among the groups gnomAD compares: Non-Finnish European, 0.00017%; no homozygotes.

Submission:

Labcorp Genetics (formerly Invitae), Labcorp
Classification: Uncertain significance. Last evaluated: 2019-12-24. Review status: criteria provided, single submitter. Criteria: Invitae Variant Classification Sherloc (09022015). Collection method: clinical testing. Allele origin: germline.
Comment: In summary, the available evidence is currently insufficient to determine the role of this variant in disease. Therefore, it has been classified as a Variant of Uncertain Significance. Algorithms developed to predict the effect of missense changes on protein structure and function (SIFT, PolyPhen-2, Align-GVGD) all suggest that this variant is likely to be disruptive, but these predictions have not been confirmed by published functional studies and their clinical significance is uncertain. This variant has not been reported in the literature in individuals with AHR-related conditions. This variant is present in population databases (rs753084329, ExAC 0.003%). This sequence change replaces leucine with serine at codon 308 of the AHR protein (p.Leu308Ser). The leucine residue is highly conserved and there is a large physicochemical difference between leucine and serine.

NM_001621.5(AHR):c.923T>C (p.Leu308Ser)

Gene: AHR (aryl hydrocarbon receptor; plus strand). Cytogenetic location: 7p21.1.
Variant type: single nucleotide variant.
Coding change: c.923T>C on transcript NM_001621.5 (MANE Select); coding-DNA position 923, T replaced by C.
Protein change: p.Leu308Ser; replaces leucine 308 with serine.
Molecular consequence: missense variant.
Genome position (GRCh38, 1-based): chr7:17,334,901, T>C. VCF-style: chr7-17334901-T-C. GRCh37 (hg19) VCF-style: chr7-17374525-T-C.
Other names: short protein forms L308S.
Identifiers: ClinVar variation 851109 (VCV000851109.10), dbSNP rs753084329, ClinGen allele CA4171979.